The following is an entry in ClinVar:

NM_033305.3(VPS13A):c.1020A>G (p.Glu340=)

Gene: VPS13A (vacuolar protein sorting 13 homolog A; plus strand). Cytogenetic location: 9q21.2.
Variant type: single nucleotide variant.
Coding change: c.1020A>G on transcript NM_033305.3 (MANE Select); coding-DNA position 1020, A replaced by G.
Protein change: p.Glu340=; no amino-acid change (glutamic acid 340 retained).
Molecular consequence: synonymous variant.
Genome position (GRCh38, 1-based): chr9:77,221,215, A>G. VCF-style: chr9-77221215-A-G. GRCh37 (hg19) VCF-style: chr9-79836131-A-G.
Other names: p.Glu340=; c.1020A>G, p.Glu340= (NM_001018037.2, NM_001018038.3, NM_015186.4).
Identifiers: ClinVar variation 367350 (VCV000367350.21), dbSNP rs76751358, ClinGen allele CA5091568.

ClinVar aggregate classification (germline): Benign. Review status: criteria provided, multiple submitters, no conflicts (2 of 4 stars). 6 submissions from 6 submitters: Benign (5). 1 of the submissions does not count toward it. Last evaluated 2026-02-04.

Conditions:
VPS13A-related neurodegenerative disease. Also called: VPS13A Disease; ACANTHOCYTOSIS WITH NEUROLOGIC DISORDER; Choreaacanthocytosis; Choreoacanthocytosis; Chorea-acanthocytosis; LEVINE-CRITCHLEY SYNDROME. Identifiers: Orphanet 2388, MedGen C0393576, MONDO:0008695, OMIM 200150.

Allele frequency attached by ClinVar (database versions not stated): gnomAD exomes 0.00648 and 0.01711; ExAC 0.01757; ESP Exome Variant Server 0.01915; gnomAD 0.02305 and 0.02314; TOPMed 0.02600; 1000 Genomes Project 30x 0.04482; 1000 Genomes Project 0.04553.
gnomAD v4.1: 13,369 of 1,613,456 alleles (0.83%); highest among the groups gnomAD compares: East Asian, 12%; 544 homozygotes.

Submissions (14):

Labcorp Genetics (formerly Invitae), Labcorp
Classification: Benign. Last evaluated: 2026-02-04. Review status: criteria provided, single submitter. Criteria: Invitae Variant Classification Sherloc (09022015). Collection method: clinical testing. Allele origin: germline.

Mayo Clinic Laboratories, Mayo Clinic
Classification: Benign. Last evaluated: 2022-03-23. Review status: criteria provided, single submitter. Criteria: ACMG Guidelines, 2015. Collection method: clinical testing. Allele origin: germline. Observed: 5 variant alleles.

GeneDx
Classification: Benign. Last evaluated: 2018-08-11. Review status: criteria provided, single submitter. Criteria: GeneDx Variant Classification Process June 2021. Collection method: clinical testing. Allele origin: germline. Affected: yes.

Illumina Laboratory Services, Illumina
Classification: Benign for VPS13A-related neurodegenerative disease. Last evaluated: 2018-01-12. Review status: criteria provided, single submitter. Criteria: ICSL Variant Classification Criteria 13 December 2019. Collection method: clinical testing. Allele origin: germline.
Comment: This variant was observed in the ICSL laboratory as part of a predisposition screen in an ostensibly healthy population. It had not been previously curated by ICSL or reported in the Human Gene Mutation Database (HGMD: prior to June 1st, 2018), and was therefore a candidate for classification through an automated scoring system. Utilizing variant allele frequency, disease prevalence and penetrance estimates, and inheritance mode, an automated score was calculated to assess if this variant is too frequent to cause the disease. Based on the score and internal cut-off values, a variant classified as benign is not then subjected to further curation. The score for this variant resulted in a classification of benign for this disease.

Breakthrough Genomics
Classification: Benign. Review status: criteria provided, single submitter. Criteria: ACMG Guidelines, 2015. Collection method: not provided. Allele origin: germline. Inheritance: Autosomal recessive inheritance. Affected: yes.

Natera, Inc.
Classification: Benign for Choreaacanthocytosis. Last evaluated: 2019-09-09. Review status: no assertion criteria provided. Collection method: clinical testing. Allele origin: germline. Not counted in ClinVar's aggregate classification.

Dr. Peter K. Rogan Lab, Western University
No classification provided (evidence only). Condition: Acute myeloid leukemia. Review status: no classification provided. Collection method: in vitro. Allele origin: not applicable. Functional consequence: retained intron. Not counted in ClinVar's aggregate classification.

Dr. Peter K. Rogan Lab, Western University
No classification provided (evidence only). Condition: Thyroid cancer, nonmedullary, 1. Review status: no classification provided. Collection method: in vitro. Allele origin: not applicable. Functional consequence: retained intron. Not counted in ClinVar's aggregate classification.

Dr. Peter K. Rogan Lab, Western University
No classification provided (evidence only). Condition: Thyroid cancer, nonmedullary, 1. Review status: no classification provided. Collection method: in vitro. Allele origin: not applicable. Functional consequence: retained intron. Not counted in ClinVar's aggregate classification.

Dr. Peter K. Rogan Lab, Western University
No classification provided (evidence only). Condition: Thyroid cancer, nonmedullary, 1. Review status: no classification provided. Collection method: in vitro. Allele origin: not applicable. Functional consequence: retained intron. Not counted in ClinVar's aggregate classification.

Dr. Peter K. Rogan Lab, Western University
No classification provided (evidence only). Condition: Uterine corpus endometrial carcinoma. Review status: no classification provided. Collection method: in vitro. Allele origin: not applicable. Functional consequence: retained intron. Not counted in ClinVar's aggregate classification.

Dr. Peter K. Rogan Lab, Western University
No classification provided (evidence only). Condition: Cervical cancer. Review status: no classification provided. Collection method: in vitro. Allele origin: not applicable. Functional consequence: retained intron. Not counted in ClinVar's aggregate classification.

Dr. Peter K. Rogan Lab, Western University
No classification provided (evidence only). Condition: Malignant lymphoma, large B-cell, diffuse. Review status: no classification provided. Collection method: in vitro. Allele origin: not applicable. Functional consequence: retained intron. Not counted in ClinVar's aggregate classification.

Dr. Peter K. Rogan Lab, Western University
No classification provided (evidence only). Condition: Thymoma. Review status: no classification provided. Collection method: in vitro. Allele origin: not applicable. Functional consequence: retained intron. Not counted in ClinVar's aggregate classification.